The following is an entry in ClinVar:

NM_000195.5(HPS1):c.1743+1G>A

Gene: HPS1 (HPS1 biogenesis of lysosomal organelles complex 3 subunit 1; minus strand). Cytogenetic location: 10q24.2.
Variant type: single nucleotide variant.
Coding change: c.1743+1G>A on transcript NM_000195.5 (MANE Select); the canonical splice donor site of the intron after coding-DNA position 1743, G replaced by A.
Molecular consequence: splice donor variant.
Genome position (GRCh38, 1-based): chr10:98,422,368, C>T on the plus strand (G>A on the coding strand, the complement: HPS1 is on the minus strand). VCF-style: chr10-98422368-C-T. GRCh37 (hg19) VCF-style: chr10-100182125-C-T.
Other names: c.1374+1G>A (NM_001322483.2, NM_001322484.2); c.1482+1G>A (NM_001322480.2, NM_001322481.2); c.1644+1G>A (NM_001322478.2, NM_001322479.2); c.1743+1G>A (NM_001322476.2, NM_001322477.2); c.1275+1G>A (NM_001322485.2); c.1383+1G>A (NM_001322482.2); c.771+1G>A (NM_001322489.2, NM_001311345.2, NM_001322487.2).
Identifiers: ClinVar variation 1506474 (VCV001506474.6), dbSNP rs2136122681, ClinGen allele CA378043871.

ClinVar aggregate classification (germline): Likely pathogenic (1 of 4 stars; one submission).

Allele frequency attached by ClinVar (database versions not stated): gnomAD exomes below 0.00001.
gnomAD v4.1: 1 of 1,461,386 alleles (0.000068%); highest among the groups gnomAD compares: South Asian, 0.0011%; no homozygotes.

Submission:

Labcorp Genetics (formerly Invitae), Labcorp
Classification: Likely pathogenic. Last evaluated: 2025-03-31. Review status: criteria provided, single submitter. Criteria: Invitae Variant Classification Sherloc (09022015). Collection method: clinical testing. Allele origin: germline.
Comment: This sequence change affects a donor splice site in intron 17 of the HPS1 gene. It is expected to disrupt RNA splicing. Variants that disrupt the donor or acceptor splice site typically lead to a loss of protein function (PMID: 16199547), and loss-of-function variants in HPS1 are known to be pathogenic (PMID: 12442288, 16185271). This variant is not present in population databases (gnomAD no frequency). This variant has not been reported in the literature in individuals affected with HPS1-related conditions. ClinVar contains an entry for this variant (Variation ID: 1506474). Algorithms developed to predict the effect of sequence changes on RNA splicing suggest that this variant may disrupt the consensus splice site. In summary, the currently available evidence indicates that the variant is pathogenic, but additional data are needed to prove that conclusively. Therefore, this variant has been classified as Likely Pathogenic.

Literature cited by the submitters: PubMed 16199547; PubMed 12442288; PubMed 16185271.